The following is an entry in ClinVar:

ClinVar aggregate classification (germline): Pathogenic (1 of 4 stars; one submission).

Conditions:
Hereditary cancer-predisposing syndrome. Also called: Neoplastic Syndromes, Hereditary; Tumor predisposition; Hereditary Cancer Syndrome; Hereditary neoplastic syndrome. Identifiers: Orphanet 140162, MedGen C0027672, MeSH D009386, MONDO:0015356.

Submission:

Ambry Genetics
Classification: Pathogenic for Hereditary cancer-predisposing syndrome. Last evaluated: 2023-01-31. Review status: criteria provided, single submitter. Criteria: Ambry Variant Classification Scheme 2023. Collection method: clinical testing. Allele origin: germline.
Comment: The c.850dupA pathogenic mutation, located in coding exon 4 of the PALB2 gene, results from a duplication of A at nucleotide position 850, causing a translational frameshift with a predicted alternate stop codon (p.T284Nfs*19). This alteration is expected to result in loss of function by premature protein truncation or nonsense-mediated mRNA decay. This variant is considered to be rare based on population cohorts in the Genome Aggregation Database (gnomAD). As such, this alteration is interpreted as a disease-causing mutation.

NM_024675.4(PALB2):c.850dup (p.Thr284fs)

Gene: PALB2 (partner and localizer of BRCA2; minus strand). Cytogenetic location: 16p12.2.
Variant type: Duplication.
Coding change: c.850dup on transcript NM_024675.4 (MANE Select); coding-DNA position 850, one base duplicated (A; older notation c.850dupA).
Protein change: p.Thr284fs; shifts the reading frame from threonine 284.
Molecular consequence: frameshift variant.
Genome position (GRCh38, 1-based): chr16:23,635,696, T duplicated on the plus strand (A on the coding strand, the reverse complement: PALB2 is on the minus strand). VCF-style (leftmost placement, unchanged base first): chr16-23635695-G-GT. GRCh37 (hg19) VCF-style: chr16-23647016-G-GT.
Other names: c.850dupA (NM_024675.3); short protein forms T284fs.
Identifiers: ClinVar variation 142099 (VCV000142099.6), dbSNP rs587782232, ClinGen allele CA167396.